The following is an entry in ClinVar:

NM_005419.4(STAT2):c.1183G>T (p.Gly395Cys)

Gene: STAT2 (signal transducer and activator of transcription 2; minus strand). Cytogenetic location: 12q13.3.
Variant type: single nucleotide variant.
Coding change: c.1183G>T on transcript NM_005419.4 (MANE Select); coding-DNA position 1183, G replaced by T.
Protein change: p.Gly395Cys; replaces glycine 395 with cysteine.
Molecular consequence: missense variant.
Genome position (GRCh38, 1-based): chr12:56,350,123, C>A on the plus strand (G>T on the coding strand, the complement: STAT2 is on the minus strand). VCF-style: chr12-56350123-C-A. GRCh37 (hg19) VCF-style: chr12-56743907-C-A.
Other names: c.1150G>T, p.Gly384Cys (NM_001385110.1); c.1183G>T, p.Gly395Cys (NM_001385111.1, NM_001385113.1); c.1162G>T, p.Gly388Cys (NM_001385114.1); c.1171G>T, p.Gly391Cys (NM_001385115.1, NM_198332.2); short protein forms G388C, G384C, G391C, G395C.
Identifiers: ClinVar variation 4741357 (VCV004741357.1).
Genomic context (GRCh38, chr12:56,350,123, plus strand): 5'-AGTAATAAAAGCATAGGTCACAAACTATTCTTACCAGGTAACCAAAGTCCCAAATCAAAC[C>A]CTGACTCTGCCCCTTCTCGGGGGTCAAAGTTTTCTGGTTTGAAGTCAGAATGTTGAACTT-3'
Protein context (NP_005410.1, residues 385-405): TLTPEKGQSQ[Gly395Cys]LIWDFGYLTL

ClinVar aggregate classification (germline): Uncertain significance (1 of 4 stars; one submission).

Conditions:
Primary immunodeficiency with post-measles-mumps-rubella vaccine viral infection. Also called: Immunodeficiency 44. Identifiers: Orphanet 431166, MedGen C4225260, MONDO:0014715, OMIM 616636.

Submission:

Labcorp Genetics (formerly Invitae), Labcorp
Classification: Uncertain significance for Primary immunodeficiency with post-measles-mumps-rubella vaccine viral infection. Last evaluated: 2025-06-24. Review status: criteria provided, single submitter. Criteria: Invitae Variant Classification Sherloc (09022015). Collection method: clinical testing. Allele origin: germline.
Comment: This sequence change replaces glycine, which is neutral and non-polar, with cysteine, which is neutral and slightly polar, at codon 395 of the STAT2 protein (p.Gly395Cys). This variant is not present in population databases (gnomAD no frequency). This variant has not been reported in the literature in individuals affected with STAT2-related conditions. Invitae Evidence Modeling of protein sequence and biophysical properties (such as structural, functional, and spatial information, amino acid conservation, physicochemical variation, residue mobility, and thermodynamic stability) indicates that this missense variant is expected to disrupt STAT2 protein function with a positive predictive value of 80%. In summary, the available evidence is currently insufficient to determine the role of this variant in disease. Therefore, it has been classified as a Variant of Uncertain Significance.